The following is an entry in ClinVar:

ClinVar aggregate classification (germline): Uncertain significance (1 of 4 stars; one submission).

Conditions:
Glycogen storage disease, type V (GSD5). Also called: McArdle type glycogen storage disease; MCARDLE DISEASE; MUSCLE GLYCOGEN PHOSPHORYLASE DEFICIENCY; MYOPHOSPHORYLASE DEFICIENCY; PYGM DEFICIENCY. Identifiers: Orphanet 368, MedGen C0017924, MONDO:0009293, OMIM 232600.

Submission:

Labcorp Genetics (formerly Invitae), Labcorp
Classification: Uncertain significance for Glycogen storage disease, type V. Last evaluated: 2022-06-19. Review status: criteria provided, single submitter. Criteria: Invitae Variant Classification Sherloc (09022015). Collection method: clinical testing. Allele origin: germline.
Comment: This variant has not been reported in the literature in individuals affected with PYGM-related conditions. In summary, the available evidence is currently insufficient to determine the role of this variant in disease. Therefore, it has been classified as a Variant of Uncertain Significance. Algorithms developed to predict the effect of missense changes on protein structure and function are either unavailable or do not agree on the potential impact of this missense change (SIFT: "Not Available"; PolyPhen-2: "Benign"; Align-GVGD: "Not Available"). This variant is not present in population databases (gnomAD no frequency). This sequence change replaces phenylalanine, which is neutral and non-polar, with leucine, which is neutral and non-polar, at codon 330 of the PYGM protein (p.Phe330Leu).

NM_005609.4(PYGM):c.988T>C (p.Phe330Leu)

Gene: PYGM (glycogen phosphorylase, muscle associated; minus strand). Cytogenetic location: 11q13.1.
Variant type: single nucleotide variant.
Coding change: c.988T>C on transcript NM_005609.4 (MANE Select); coding-DNA position 988, T replaced by C.
Protein change: p.Phe330Leu; replaces phenylalanine 330 with leucine.
Molecular consequence: missense variant.
Genome position (GRCh38, 1-based): chr11:64,754,704, A>G on the plus strand (T>C on the coding strand, the complement: PYGM is on the minus strand). VCF-style: chr11-64754704-A-G. GRCh37 (hg19) VCF-style: chr11-64522176-A-G.
Other names: c.724T>C, p.Phe242Leu (NM_001164716.1); short protein forms F242L, F330L.
Identifiers: ClinVar variation 2095933 (VCV002095933.4), dbSNP rs2135835281, ClinGen allele CA381178446.